The following is an entry in ClinVar:

NM_004168.4(SDHA):c.1439A>G (p.Lys480Arg)

Gene: SDHA (succinate dehydrogenase complex flavoprotein subunit A; plus strand). Cytogenetic location: 5p15.33.
Variant type: single nucleotide variant.
Coding change: c.1439A>G on transcript NM_004168.4 (MANE Select); coding-DNA position 1439, A replaced by G.
Protein change: p.Lys480Arg; replaces lysine 480 with arginine.
Molecular consequence: missense variant.
Genome position (GRCh38, 1-based): chr5:240,364, A>G. VCF-style: chr5-240364-A-G. GRCh37 (hg19) VCF-style: chr5-240479-A-G.
Other names: c.1439A>G, p.Lys480Arg (NM_001330758.2); c.1295A>G, p.Lys432Arg (NM_001294332.2); short protein forms K480R, K432R.
Identifiers: ClinVar variation 2941553 (VCV002941553.3), dbSNP rs2477397353, ClinGen allele CA359014169.

ClinVar aggregate classification (germline): Uncertain significance (1 of 4 stars; one submission).

Conditions:
Mitochondrial complex II deficiency, nuclear type 1. Also called: SUCCINATE CoQ REDUCTASE DEFICIENCY. Identifiers: Orphanet 3208, MedGen C5700310, MONDO:0100294, OMIM 252011.
Pheochromocytoma/paraganglioma syndrome 5. Also called: Paragangliomas 5; SDHA-Related Hereditary Paraganglioma-Pheochromocytoma Syndrome. Identifiers: Orphanet 29072, MedGen C3279992, MONDO:0013602, OMIM 614165.

Submission:

Labcorp Genetics (formerly Invitae), Labcorp
Classification: Uncertain significance for Pheochromocytoma/paraganglioma syndrome 5; Mitochondrial complex II deficiency, nuclear type 1. Last evaluated: 2022-11-14. Review status: criteria provided, single submitter. Criteria: Invitae Variant Classification Sherloc (09022015). Collection method: clinical testing. Allele origin: germline.
Comment: Advanced modeling of protein sequence and biophysical properties (such as structural, functional, and spatial information, amino acid conservation, physicochemical variation, residue mobility, and thermodynamic stability) performed at Invitae indicates that this missense variant is not expected to disrupt SDHA protein function. In summary, the available evidence is currently insufficient to determine the role of this variant in disease. Therefore, it has been classified as a Variant of Uncertain Significance. This variant has not been reported in the literature in individuals affected with SDHA-related conditions. This variant is not present in population databases (gnomAD no frequency). This sequence change replaces lysine, which is basic and polar, with arginine, which is basic and polar, at codon 480 of the SDHA protein (p.Lys480Arg).